The following is an entry in ClinVar:

NM_017617.5(NOTCH1):c.3813C>T (p.Cys1271=)

Gene: NOTCH1 (notch receptor 1; minus strand). Cytogenetic location: 9q34.3.
Variant type: single nucleotide variant.
Coding change: c.3813C>T on transcript NM_017617.5 (MANE Select); coding-DNA position 3813, C replaced by T.
Protein change: p.Cys1271=; no amino-acid change (cysteine 1271 retained).
Molecular consequence: synonymous variant.
Genome position (GRCh38, 1-based): chr9:136,506,804, G>A on the plus strand (C>T on the coding strand, the complement: NOTCH1 is on the minus strand). VCF-style: chr9-136506804-G-A. GRCh37 (hg19) VCF-style: chr9-139401256-G-A.
Other names: c.3813C>T (NM_017617.3, NM_017617.4).
Identifiers: ClinVar variation 2659749 (VCV002659749.30), dbSNP rs1471864651, ClinGen allele CA467833328.

ClinVar aggregate classification (germline): Likely benign. Review status: criteria provided, multiple submitters, no conflicts (2 of 4 stars). 5 submissions from 5 submitters: Likely benign (4). 1 of the submissions does not count toward it. Last evaluated 2024-10-13.

Conditions:
NOTCH1-related disorder. Also called: NOTCH1-related condition; NOTCH1-related disorders.
Familial thoracic aortic aneurysm and aortic dissection (TAAD). Also called: Thoracic aortic aneurysms and dissections. Identifiers: Orphanet 91387, MedGen C4707243, MONDO:0019625.
Adams-Oliver syndrome 5 (AOS5). Identifiers: Orphanet 974, MedGen C4014970, MONDO:0014459, OMIM 616028.

Allele frequency attached by ClinVar (database versions not stated): gnomAD exomes below 0.00001; TOPMed 0.00001.
gnomAD v4.1: 6 of 1,611,942 alleles (0.00037%); highest among the groups gnomAD compares: Middle Eastern, 0.049%; no homozygotes.

Submissions (5):

Labcorp Genetics (formerly Invitae), Labcorp
Classification: Likely benign for Adams-Oliver syndrome 5. Last evaluated: 2024-10-13. Review status: criteria provided, single submitter. Criteria: Invitae Variant Classification Sherloc (09022015). Collection method: clinical testing. Allele origin: germline.

Ambry Genetics
Classification: Likely benign for Familial thoracic aortic aneurysm and aortic dissection. Last evaluated: 2024-07-11. Review status: criteria provided, single submitter. Criteria: Ambry Variant Classification Scheme 2023. Collection method: clinical testing. Allele origin: germline.

CeGaT Center for Human Genetics Tuebingen
Classification: Likely benign. Last evaluated: 2022-12-01. Review status: criteria provided, single submitter. Criteria: CeGaT Center For Human Genetics Tuebingen Variant Classification Criteria Version 2. Collection method: clinical testing. Allele origin: germline. Affected: yes. Observed: 1 variant allele.
Comment: NOTCH1: BP4, BP7

Blueprint Genetics
Classification: Likely benign. Last evaluated: 2022-09-20. Review status: criteria provided, single submitter. Criteria: ACMG Guidelines, 2015. Collection method: clinical testing. Allele origin: germline.

PreventionGenetics, part of Exact Sciences
Classification: Likely benign for NOTCH1-related condition. Last evaluated: 2020-12-07. Review status: no assertion criteria provided. Collection method: clinical testing. Allele origin: germline. Not counted in ClinVar's aggregate classification.
Comment: This variant is classified as likely benign based on ACMG/AMP sequence variant interpretation guidelines (Richards et al. 2015 PMID: 25741868, with internal and published modifications).